The following is an entry in ClinVar:

NM_004667.6(HERC2):c.7353C>G (p.Arg2451=)

Gene: HERC2 (HECT and RLD domain containing E3 ubiquitin protein ligase 2; minus strand). Cytogenetic location: 15q13.1.
Variant type: single nucleotide variant.
Coding change: c.7353C>G on transcript NM_004667.6 (MANE Select); coding-DNA position 7353, C replaced by G.
Protein change: p.Arg2451=; no amino-acid change (arginine 2451 retained).
Molecular consequence: synonymous variant.
Genome position (GRCh38, 1-based): chr15:28,202,474, G>C on the plus strand (C>G on the coding strand, the complement: HERC2 is on the minus strand). VCF-style: chr15-28202474-G-C. GRCh37 (hg19) VCF-style: chr15-28447620-G-C.
Identifiers: ClinVar variation 4823684 (VCV004823684.4).

ClinVar aggregate classification (germline): Likely benign (1 of 4 stars; one submission).

Submission:

CeGaT Center for Human Genetics Tuebingen
Classification: Likely benign. Last evaluated: 2026-03-01. Review status: criteria provided, single submitter. Criteria: CeGaT Center For Human Genetics Tuebingen Variant Classification Criteria Version 2. Collection method: clinical testing. Allele origin: germline. Affected: yes. Observed: 1 variant allele.
Comment: HERC2: PM2:Supporting, BP4, BP7